The following is an entry in ClinVar:

NM_001943.5(DSG2):c.2965G>C (p.Glu989Gln)

Genes: DSG2 (desmoglein 2; plus strand), DSG2-AS1 (DSG2 antisense RNA 1; minus strand). Cytogenetic location: 18q12.1.
Variant type: single nucleotide variant.
Coding change: c.2965G>C on transcript NM_001943.5 (MANE Select); coding-DNA position 2965, G replaced by C.
Protein change: p.Glu989Gln; replaces glutamic acid 989 with glutamine.
Molecular consequence: missense variant.
Genome position (GRCh38, 1-based): chr18:31,546,351, G>C. VCF-style: chr18-31546351-G-C. GRCh37 (hg19) VCF-style: chr18-29126314-G-C.
Other names: short protein forms E989Q.
Identifiers: ClinVar variation 2877690 (VCV002877690.3), dbSNP rs748298838, ClinGen allele CA047603.

ClinVar aggregate classification (germline): Uncertain significance (1 of 4 stars; one submission).

Conditions:
Arrhythmogenic right ventricular dysplasia 10. Also called: Arrhythmogenic right ventricular dysplasia/cardiomyopathy, type 10; Arrhythmogenic Right Ventricular Dysplasia/Cardiomyopathy10; ARRHYTHMOGENIC RIGHT VENTRICULAR DYSPLASIA, FAMILIAL, 10. Identifiers: MedGen C1857777, MONDO:0012434, OMIM 610193.

Allele frequency attached by ClinVar (database versions not stated): ExAC 0.00001.
gnomAD v4.1: 1 of 1,613,310 alleles (0.000062%); highest among the groups gnomAD compares: Non-Finnish European, 0.000085%; no homozygotes.

Submission:

Labcorp Genetics (formerly Invitae), Labcorp
Classification: Uncertain significance for Arrhythmogenic right ventricular dysplasia 10. Last evaluated: 2022-12-02. Review status: criteria provided, single submitter. Criteria: Invitae Variant Classification Sherloc (09022015). Collection method: clinical testing. Allele origin: germline.
Comment: In summary, the available evidence is currently insufficient to determine the role of this variant in disease. Therefore, it has been classified as a Variant of Uncertain Significance. Advanced modeling of protein sequence and biophysical properties (such as structural, functional, and spatial information, amino acid conservation, physicochemical variation, residue mobility, and thermodynamic stability) performed at Invitae indicates that this missense variant is not expected to disrupt DSG2 protein function. This variant has not been reported in the literature in individuals affected with DSG2-related conditions. This variant is present in population databases (rs748298838, gnomAD 0.0009%). This sequence change replaces glutamic acid, which is acidic and polar, with glutamine, which is neutral and polar, at codon 989 of the DSG2 protein (p.Glu989Gln).